The following is an entry in ClinVar:

ClinVar aggregate classification (germline): Uncertain significance. Review status: criteria provided, multiple submitters, no conflicts (2 of 4 stars). 2 submissions from 2 submitters: Uncertain significance (2). Last evaluated 2022-11-24.

Submissions (2):

Labcorp Genetics (formerly Invitae), Labcorp
Classification: Uncertain significance. Last evaluated: 2022-11-24. Review status: criteria provided, single submitter. Criteria: Invitae Variant Classification Sherloc (09022015). Collection method: clinical testing. Allele origin: germline.
Comment: This sequence change replaces glutamic acid, which is acidic and polar, with glutamine, which is neutral and polar, at codon 642 of the CTNNB1 protein (p.Glu642Gln). This variant is not present in population databases (gnomAD no frequency). This variant has not been reported in the literature in individuals affected with CTNNB1-related conditions. Advanced modeling of protein sequence and biophysical properties (such as structural, functional, and spatial information, amino acid conservation, physicochemical variation, residue mobility, and thermodynamic stability) performed at Invitae indicates that this missense variant is expected to disrupt CTNNB1 protein function. In summary, the available evidence is currently insufficient to determine the role of this variant in disease. Therefore, it has been classified as a Variant of Uncertain Significance.

Blueprint Genetics
Classification: Uncertain significance. Last evaluated: 2022-02-02. Review status: criteria provided, single submitter. Criteria: ACMG Guidelines, 2015. Collection method: clinical testing. Allele origin: germline.

NM_001904.4(CTNNB1):c.1924G>C (p.Glu642Gln)

Gene: CTNNB1 (catenin beta 1; plus strand). Cytogenetic location: 3p22.1.
Variant type: single nucleotide variant.
Coding change: c.1924G>C on transcript NM_001904.4 (MANE Select); coding-DNA position 1924, G replaced by C.
Protein change: p.Glu642Gln; replaces glutamic acid 642 with glutamine.
Molecular consequence: missense variant.
Genome position (GRCh38, 1-based): chr3:41,236,469, G>C. VCF-style: chr3-41236469-G-C. GRCh37 (hg19) VCF-style: chr3-41277960-G-C.
Other names: c.1924G>C, p.Glu642Gln (NM_001098209.2, NM_001098210.2); c.1903G>C, p.Glu635Gln (NM_001330729.2); short protein forms E635Q, E642Q.
Identifiers: ClinVar variation 2972953 (VCV002972953.4), dbSNP rs2078436466, ClinGen allele CA352236345.
Genomic context (GRCh38, chr3:41,236,469, plus strand): 5'-GCTCAGGACAAGGAAGCTGCAGAAGCTATTGAAGCTGAGGGAGCCACAGCTCCTCTGACA[G>C]AGTTACTTCACTCTAGGAATGAAGGTGTGGGTAAGTAAAAAGGAACCAAAGCCTTTAGCA-3'
Protein context (NP_001895.1, residues 632-652): EAEGATAPLT[Glu642Gln]LLHSRNEGVA